The following is an entry in ClinVar:

ClinVar aggregate classification (germline): Pathogenic (1 of 4 stars; one submission).

Conditions:
Cerebral cavernous malformation (CCM). Also called: Cerebral cavernous malformations; CAVERNOUS ANGIOMA, FAMILIAL; CAVERNOUS ANGIOMATOUS MALFORMATIONS; CEREBRAL CAPILLARY MALFORMATIONS; Cerebral cavernous hemangioma (type); Cavernous Hemangioma of Brain. Identifiers: Orphanet 221061, MedGen C2919945, MONDO:0000820, OMIM 116860, HP:0033522.

Submission:

Labcorp Genetics (formerly Invitae), Labcorp
Classification: Pathogenic for Cerebral cavernous malformation. Last evaluated: 2022-01-04. Review status: criteria provided, single submitter. Criteria: Invitae Variant Classification Sherloc (09022015). Collection method: clinical testing. Allele origin: germline.
Comment: For these reasons, this variant has been classified as Pathogenic. ClinVar contains an entry for this variant (Variation ID: 653656). This variant has not been reported in the literature in individuals affected with KRIT1-related conditions. This variant is not present in population databases (gnomAD no frequency). This sequence change creates a premature translational stop signal (p.Lys520*) in the KRIT1 gene. It is expected to result in an absent or disrupted protein product. Loss-of-function variants in KRIT1 are known to be pathogenic (PMID: 10508515, 11222804, 12404106, 24689081).

Literature cited by the submitters: PubMed 10508515; PubMed 11222804; PubMed 12404106; PubMed 24689081.

NM_194454.3(KRIT1):c.1558A>T (p.Lys520Ter)

Gene: KRIT1 (KRIT1 ankyrin repeat containing; minus strand). Cytogenetic location: 7q21.2.
Variant type: single nucleotide variant.
Coding change: c.1558A>T on transcript NM_194454.3 (MANE Select); coding-DNA position 1558, A replaced by T.
Protein change: p.Lys520Ter; replaces lysine 520 with a stop codon.
Molecular consequence: nonsense.
Genome position (GRCh38, 1-based): chr7:92,221,907, T>A on the plus strand (A>T on the coding strand, the complement: KRIT1 is on the minus strand). VCF-style: chr7-92221907-T-A. GRCh37 (hg19) VCF-style: chr7-91851221-T-A.
Other names: c.1414A>T, p.Lys472Ter (NM_001013406.2, NM_001350669.1, NM_001350670.1); c.844A>T, p.Lys282Ter (NM_001350671.1); c.1558A>T, p.Lys520Ter (NM_001350672.1, NM_001350673.1, NM_001350674.1 and 26 more transcripts); short protein forms K472*, K520*, K282*.
Identifiers: ClinVar variation 653656 (VCV000653656.6), dbSNP rs1584873058, ClinGen allele CA368145297.